The following is an entry in ClinVar:

NM_001961.4(EEF2):c.1032G>A (p.Leu344=)

Gene: EEF2 (eukaryotic translation elongation factor 2; minus strand). Cytogenetic location: 19p13.3.
Variant type: single nucleotide variant.
Coding change: c.1032G>A on transcript NM_001961.4 (MANE Select); coding-DNA position 1032, G replaced by A.
Protein change: p.Leu344=; no amino-acid change (leucine 344 retained).
Molecular consequence: synonymous variant.
Genome position (GRCh38, 1-based): chr19:3,980,959, C>T on the plus strand (G>A on the coding strand, the complement: EEF2 is on the minus strand). VCF-style: chr19-3980959-C-T. GRCh37 (hg19) VCF-style: chr19-3980957-C-T.
Identifiers: ClinVar variation 3905406 (VCV003905406.10).

ClinVar aggregate classification (germline): Likely benign (1 of 4 stars; one submission).

Submission:

CeGaT Center for Human Genetics Tuebingen
Classification: Likely benign. Last evaluated: 2025-06-01. Review status: criteria provided, single submitter. Criteria: CeGaT Center For Human Genetics Tuebingen Variant Classification Criteria Version 2. Collection method: clinical testing. Allele origin: germline. Affected: yes. Observed: 1 variant allele.
Comment: EEF2: PM2:Supporting, BP4, BP7